The following is an entry in ClinVar:

ClinVar aggregate classification (germline): Pathogenic (1 of 4 stars; one submission).

Conditions:
Hermansky-Pudlak syndrome 2 (HPS2). Also called: Platelet defects and oculocutaneous albinism. Identifiers: Orphanet 183678, Orphanet 79430, MedGen C1842362, MONDO:0011997, OMIM 608233.

Submission:

Labcorp Genetics (formerly Invitae), Labcorp
Classification: Pathogenic for Hermansky-Pudlak syndrome 2. Last evaluated: 2022-03-06. Review status: criteria provided, single submitter. Criteria: Invitae Variant Classification Sherloc (09022015). Collection method: clinical testing. Allele origin: germline.
Comment: For these reasons, this variant has been classified as Pathogenic. This variant has not been reported in the literature in individuals affected with AP3B1-related conditions. A gross deletion of the genomic region encompassing the full coding sequence of the AP3B1 gene has been identified. Loss-of-function variants in AP3B1 are known to be pathogenic (PMID: 16507770, 23403622). The boundaries of this event are unknown as they extend beyond the assayed region for this gene and therefore may encompass additional genes.

Literature cited by the submitters: PubMed 16507770; PubMed 23403622.

NC_000005.9:g.(?_76115008)_(78281071_?)del

Genes: AGGF1 (angiogenic factor with G-patch and FHA domains 1; plus strand), AP3B1 (adaptor related protein complex 3 subunit beta 1; minus strand), ARSB (arylsulfatase B; minus strand), CRHBP (corticotropin releasing hormone binding protein; plus strand), F2RL1 (F2R like trypsin receptor 1; plus strand) and 8 more. Cytogenetic location: 5q13.3-14.1.
Variant type: Deletion.
Identifiers: ClinVar variation 2424719 (VCV002424719.5).